The following is an entry in ClinVar:

ClinVar aggregate classification (germline): Uncertain significance. Review status: criteria provided, multiple submitters, no conflicts (2 of 4 stars). 2 submissions from 2 submitters: Uncertain significance (2). Last evaluated 2022-09-26.

Conditions:
Inborn genetic diseases. Identifiers: MedGen C0950123, MeSH D030342.

Allele frequency attached by ClinVar (database versions not stated): TOPMed 0.00001; ExAC 0.00002; gnomAD 0.00003; gnomAD exomes 0.00003; ESP Exome Variant Server 0.00008.
gnomAD v4.1: 46 of 1,613,592 alleles (0.0029%); highest among the groups gnomAD compares: Non-Finnish European, 0.0039%; no homozygotes.

Submissions (2):

Ambry Genetics
Classification: Uncertain significance for Inborn genetic diseases. Last evaluated: 2022-09-26. Review status: criteria provided, single submitter. Criteria: Ambry Variant Classification Scheme 2023. Collection method: clinical testing. Allele origin: germline.

Labcorp Genetics (formerly Invitae), Labcorp
Classification: Uncertain significance. Last evaluated: 2022-07-30. Review status: criteria provided, single submitter. Criteria: Invitae Variant Classification Sherloc (09022015). Collection method: clinical testing. Allele origin: germline.
Comment: This sequence change replaces alanine, which is neutral and non-polar, with serine, which is neutral and polar, at codon 326 of the CDK5RAP2 protein (p.Ala326Ser). This variant is present in population databases (rs202160981, gnomAD 0.007%). This variant has not been reported in the literature in individuals affected with CDK5RAP2-related conditions. Algorithms developed to predict the effect of missense changes on protein structure and function are either unavailable or do not agree on the potential impact of this missense change (SIFT: "Deleterious"; PolyPhen-2: "Benign"; Align-GVGD: "Class C0"). In summary, the available evidence is currently insufficient to determine the role of this variant in disease. Therefore, it has been classified as a Variant of Uncertain Significance.

NM_018249.6(CDK5RAP2):c.976G>T (p.Ala326Ser)

Gene: CDK5RAP2 (CDK5 regulatory subunit associated protein 2; minus strand). Cytogenetic location: 9q33.2.
Variant type: single nucleotide variant.
Coding change: c.976G>T on transcript NM_018249.6 (MANE Select); coding-DNA position 976, G replaced by T.
Protein change: p.Ala326Ser; replaces alanine 326 with serine.
Molecular consequence: missense variant. On other transcripts: non-coding transcript variant (5).
Genome position (GRCh38, 1-based): chr9:120,527,829, C>A on the plus strand (G>T on the coding strand, the complement: CDK5RAP2 is on the minus strand). VCF-style: chr9-120527829-C-A. GRCh37 (hg19) VCF-style: chr9-123290107-C-A.
Other names: c.976G>T, p.Ala326Ser (NM_001011649.3, NM_001272039.2, NM_001410992.1 and 2 more transcripts); c.976G>T (NM_018249.4); short protein forms A326S.
Identifiers: ClinVar variation 2164094 (VCV002164094.2), dbSNP rs202160981, ClinGen allele CA5214544.